The following is an entry in ClinVar:

ClinVar aggregate classification (germline): Uncertain significance. Review status: criteria provided, multiple submitters, no conflicts (2 of 4 stars). 2 submissions from 2 submitters: Uncertain significance (2). Last evaluated 2026-08-19.

Conditions:
KIF1A-related disorder. Also called: KIF1A-related disorders; KIF1A-related condition.
Inborn genetic diseases. Identifiers: MedGen C0950123, MeSH D030342.

Allele frequency attached by ClinVar (database versions not stated): gnomAD 0.00001; gnomAD exomes 0.00001; TOPMed 0.00001.
gnomAD v4.1: 12 of 1,549,860 alleles (0.00077%); highest among the groups gnomAD compares: African/African-American, 0.0028%; no homozygotes.

Submissions (2):

PreventionGenetics, part of Exact Sciences
Classification: Uncertain significance for KIF1A-related condition. Last evaluated: 2026-08-19. Review status: criteria provided, single submitter. Criteria: ACMG Guidelines, 2015. Collection method: clinical testing. Allele origin: germline.
Comment: The KIF1A c.2789C>T variant is predicted to result in the amino acid substitution p.Pro930Leu. To our knowledge, this variant has not been reported in the literature. This variant is reported in 0.023% of alleles in individuals of Ashkenazi Jewish descent in gnomAD. At this time, the clinical significance of this variant is uncertain due to the absence of conclusive functional and genetic evidence.

Ambry Genetics
Classification: Uncertain significance for Inborn genetic diseases. Last evaluated: 2022-08-01. Review status: criteria provided, single submitter. Criteria: Ambry Variant Classification Scheme 2023. Collection method: clinical testing. Allele origin: germline.
Comment: The p.P930L variant (also known as c.2789C>T), located in coding exon 26 of the KIF1A gene, results from a C to T substitution at nucleotide position 2789. The proline at codon 930 is replaced by leucine, an amino acid with similar properties. This amino acid position is not well conserved in available vertebrate species. In addition, this alteration is predicted to be tolerated by in silico analysis. Since supporting evidence is limited at this time, the clinical significance of this alteration remains unclear.

NM_001244008.2(KIF1A):c.2789C>T (p.Pro930Leu)

Gene: KIF1A (kinesin family member 1A; minus strand). Cytogenetic location: 2q37.3.
Variant type: single nucleotide variant.
Coding change: c.2789C>T on transcript NM_001244008.2 (MANE Select); coding-DNA position 2789, C replaced by T.
Protein change: p.Pro930Leu; replaces proline 930 with leucine.
Molecular consequence: missense variant. On other transcripts: intron variant (18).
Genome position (GRCh38, 1-based): chr2:240,757,388, G>A on the plus strand (C>T on the coding strand, the complement: KIF1A is on the minus strand). VCF-style: chr2-240757388-G-A. GRCh37 (hg19) VCF-style: chr2-241696805-G-A.
Other names: c.2864C>T, p.Pro955Leu (NM_001379631.1); c.2738C>T, p.Pro913Leu (NM_001379632.1); c.2762C>T, p.Pro921Leu (NM_001379633.1, NM_001379642.1, NM_001379645.1); c.2555+972C>T (NM_001379653.1, NM_001379650.1, NM_001379640.1 and 6 more transcripts); c.2657+972C>T (NM_001379635.1, NM_001330290.2, NM_001379646.1 and 1 more transcripts); c.2630+972C>T (NM_001379637.1, NM_001379648.1); c.2582+972C>T (NM_001320705.2, NM_001379638.1, NM_001330289.2); short protein forms P921L, P930L, P955L, P913L.
Identifiers: ClinVar variation 1796009 (VCV001796009.3), dbSNP rs776565261, ClinGen allele CA2208021.
Genomic context (GRCh38, chr2:240,757,388, plus strand): 5'-AAACTGAACAGGGGGGGCCGGTCGTAAAACGGGTCCCGGCCGTCGCACAGCGCGTGCTCC[G>A]GAAAGACGTCGTCCTCCAGGTCCTCCTCCTCCTCATCCTCCTCCTCCTCCTCCTCCTCCT-3'
Protein context (NP_001230937.1, residues 920-940): EEEDLEDDVF[Pro930Leu]EHALCDGRDP